The following is an entry in ClinVar:

NM_001387430.1(SH2B1):c.1599T>C (p.Ser533=)

Gene: SH2B1 (SH2B adaptor protein 1; plus strand). Cytogenetic location: 16p11.2.
Variant type: single nucleotide variant.
Coding change: c.1599T>C on transcript NM_001387430.1 (MANE Select); coding-DNA position 1599, T replaced by C.
Protein change: p.Ser533=; no amino-acid change (serine 533 retained).
Molecular consequence: synonymous variant.
Genome position (GRCh38, 1-based): chr16:28,872,275, T>C. VCF-style: chr16-28872275-T-C. GRCh37 (hg19) VCF-style: chr16-28883596-T-C.
Other names: c.1599T>C, p.Ser533= (NM_001145795.2, NM_001145796.2, NM_001145797.2 and 4 more transcripts); c.591T>C, p.Ser197= (NM_001308294.2).
Identifiers: ClinVar variation 3345119 (VCV003345119.1).

ClinVar aggregate classification (germline): Likely benign (0 of 4 stars; one submission).

Conditions:
SH2B1-related disorder. Also called: SH2B1-related condition.

gnomAD v4.1: 11 of 1,613,952 alleles (0.00068%); highest among the groups gnomAD compares: Non-Finnish European, 0.00093%; no homozygotes.

Submission:

PreventionGenetics, part of Exact Sciences
Classification: Likely benign for SH2B1-related condition. Last evaluated: 2024-04-11. Review status: no assertion criteria provided. Collection method: clinical testing. Allele origin: germline.
Comment: This variant is classified as likely benign based on ACMG/AMP sequence variant interpretation guidelines (Richards et al. 2015 PMID: 25741868, with internal and published modifications).